The following is an entry in ClinVar:

NM_170699.3(GPBAR1):c.813C>T (p.Ala271=)

Gene: GPBAR1 (G protein-coupled bile acid receptor 1; plus strand). Cytogenetic location: 2q35.
Variant type: single nucleotide variant.
Coding change: c.813C>T on transcript NM_170699.3 (MANE Select); coding-DNA position 813, C replaced by T.
Protein change: p.Ala271=; no amino-acid change (alanine 271 retained).
Molecular consequence: synonymous variant.
Genome position (GRCh38, 1-based): chr2:218,263,537, C>T. VCF-style: chr2-218263537-C-T. GRCh37 (hg19) VCF-style: chr2-219128260-C-T.
Other names: c.813C>T, p.Ala271= (NM_001077191.2, NM_001077194.2, NM_001321950.2).
Identifiers: ClinVar variation 3030865 (VCV003030865.2), dbSNP rs759826576, ClinGen allele CA2102691.

ClinVar aggregate classification (germline): Likely benign (0 of 4 stars; one submission).

Conditions:
GPBAR1-related disorder. Also called: GPBAR1-related condition.

Allele frequency attached by ClinVar (database versions not stated): gnomAD exomes 0.00001; ExAC 0.00002; TOPMed 0.00003.

Submission:

PreventionGenetics, part of Exact Sciences
Classification: Likely benign for GPBAR1-related condition. Last evaluated: 2021-11-12. Review status: no assertion criteria provided. Collection method: clinical testing. Allele origin: germline.
Comment: This variant is classified as likely benign based on ACMG/AMP sequence variant interpretation guidelines (Richards et al. 2015 PMID: 25741868, with internal and published modifications).